The following is an entry in ClinVar:

NM_003738.5(PTCH2):c.446T>A (p.Leu149His)

Gene: PTCH2 (patched 2; minus strand). Cytogenetic location: 1p34.1.
Variant type: single nucleotide variant.
Coding change: c.446T>A on transcript NM_003738.5 (MANE Select); coding-DNA position 446, T replaced by A.
Protein change: p.Leu149His; replaces leucine 149 with histidine.
Molecular consequence: missense variant.
Genome position (GRCh38, 1-based): chr1:44,832,161, A>T on the plus strand (T>A on the coding strand, the complement: PTCH2 is on the minus strand). VCF-style: chr1-44832161-A-T. GRCh37 (hg19) VCF-style: chr1-45297833-A-T.
Other names: c.446T>A, p.Leu149His (NM_001166292.2); short protein forms L149H.
Identifiers: ClinVar variation 453941 (VCV000453941.12), dbSNP rs111283762, ClinGen allele CA21750833.

ClinVar aggregate classification (germline): Uncertain significance. Review status: criteria provided, multiple submitters, no conflicts (2 of 4 stars). 4 submissions from 4 submitters: Uncertain significance (4). Last evaluated 2025-12-14.

Conditions:
Basal cell carcinoma, susceptibility to, 1. Also called: BCC1. Identifiers: MedGen C2751544, MONDO:0011556, OMIM 605462.
Medulloblastoma (MDB). Also called: Medulloblastoma, somatic; MEDULLOBLASTOMA PREDISPOSITION SYNDROME. Identifiers: Orphanet 616, MedGen C0025149, MeSH D008527, MONDO:0007959, OMIM 155255, HP:0002885.
Gorlin syndrome. Also called: Basal cell nevus syndrome; Nevoid Basal Cell Carcinoma Syndrome. Identifiers: Orphanet 377, MedGen C0004779, MONDO:0007187.

Allele frequency attached by ClinVar (database versions not stated): gnomAD exomes below 0.00001 and 0.00001; gnomAD 0.00004 and 0.00005; TOPMed 0.00005; ESP Exome Variant Server 0.00008.
gnomAD v4.1: 18 of 1,614,004 alleles (0.0011%); highest among the groups gnomAD compares: African/African-American, 0.023%; no homozygotes.

Submissions (4):

Labcorp Genetics (formerly Invitae), Labcorp
Classification: Uncertain significance for Gorlin syndrome. Last evaluated: 2025-12-14. Review status: criteria provided, single submitter. Criteria: Invitae Variant Classification Sherloc (09022015). Collection method: clinical testing. Allele origin: germline.
Comment: This sequence change replaces leucine, which is neutral and non-polar, with histidine, which is basic and polar, at codon 149 of the PTCH2 protein (p.Leu149His). This variant is present in population databases (rs111283762, gnomAD 0.008%). This variant has not been reported in the literature in individuals affected with PTCH2-related conditions. ClinVar contains an entry for this variant (Variation ID: 453941). Invitae Evidence Modeling of protein sequence and biophysical properties (such as structural, functional, and spatial information, amino acid conservation, physicochemical variation, residue mobility, and thermodynamic stability) indicates that this missense variant is not expected to disrupt PTCH2 protein function with a negative predictive value of 80%. In summary, the available evidence is currently insufficient to determine the role of this variant in disease. Therefore, it has been classified as a Variant of Uncertain Significance.

Ambry Genetics
Classification: Uncertain significance. Last evaluated: 2025-04-04. Review status: criteria provided, single submitter. Criteria: Ambry Variant Classification Scheme 2023. Collection method: clinical testing. Allele origin: germline.

Fulgent Genetics
Classification: Uncertain significance for Medulloblastoma; Basal cell carcinoma, susceptibility to, 1. Last evaluated: 2024-05-02. Review status: criteria provided, single submitter. Criteria: ACMG Guidelines, 2015. Collection method: clinical testing. Allele origin: germline.

St. Jude Molecular Pathology, St. Jude Children's Research Hospital
Classification: Uncertain significance for Basal cell nevus syndrome 1. Last evaluated: 2023-11-21. Review status: criteria provided, single submitter. Criteria: St. Jude Assertion Criteria 2020. Collection method: clinical testing. Allele origin: germline.
Comment: The PTCH2 c.446T>A (p.Leu149His) missense change has a maximum subpopulation frequency of 0.0080% in gnomAD v2.1.1. The in silico tool REVEL predicts a deleterious effect on protein function, but to our knowledge this prediction has not been confirmed by functional studies. To our knowledge, this variant has not been reported in individuals with nevoid basal cell carcinoma syndrome.??In summary, the evidence currently available is insufficient to determine the clinical significance of this variant. It has therefore been classified as of uncertain significance.??